The following is an entry in ClinVar:

ClinVar aggregate classification (germline): Likely benign (1 of 4 stars; one submission).

Submission:

CeGaT Center for Human Genetics Tuebingen
Classification: Likely benign. Last evaluated: 2025-05-01. Review status: criteria provided, single submitter. Criteria: CeGaT Center For Human Genetics Tuebingen Variant Classification Criteria Version 2. Collection method: clinical testing. Allele origin: germline. Affected: yes. Observed: 1 variant allele.
Comment: NUTM2F: BP4, BP7

NM_017561.2(NUTM2F):c.2095C>A (p.Arg699=)

Gene: NUTM2F (NUT family member 2F; minus strand). Cytogenetic location: 9q22.32.
Variant type: single nucleotide variant.
Coding change: c.2095C>A on transcript NM_017561.2 (MANE Select); coding-DNA position 2095, C replaced by A.
Protein change: p.Arg699=; no amino-acid change (arginine 699 retained).
Molecular consequence: synonymous variant.
Genome position (GRCh38, 1-based): chr9:94,318,641, G>T on the plus strand (C>A on the coding strand, the complement: NUTM2F is on the minus strand). VCF-style: chr9-94318641-G-T. GRCh37 (hg19) VCF-style: chr9-97080923-G-T.
Identifiers: ClinVar variation 3904876 (VCV003904876.10).